The following is an entry in ClinVar:

ClinVar aggregate classification (germline): Uncertain significance (1 of 4 stars; one submission).

Conditions:
Hereditary cancer-predisposing syndrome. Also called: Tumor predisposition; Neoplastic Syndromes, Hereditary; Hereditary neoplastic syndrome; Hereditary Cancer Syndrome. Identifiers: Orphanet 140162, MedGen C0027672, MeSH D009386, MONDO:0015356.

Submission:

Ambry Genetics
Classification: Uncertain significance for Hereditary cancer-predisposing syndrome. Last evaluated: 2025-08-27. Review status: criteria provided, single submitter. Criteria: Ambry Variant Classification Scheme 2023. Collection method: clinical testing. Allele origin: germline.
Comment: The p.A50S variant (also known as c.148G>T), located in coding exon 2 of the MUTYH gene, results from a G to T substitution at nucleotide position 148. The alanine at codon 50 is replaced by serine, an amino acid with similar properties. This amino acid position is conserved. In addition, this alteration is predicted to be tolerated by in silico analysis. Based on the available evidence, the clinical significance of this variant remains unclear.

NM_001048174.2(MUTYH):c.106G>T (p.Ala36Ser)

Gene: MUTYH (mutY DNA glycosylase; minus strand). Cytogenetic location: 1p34.1.
Variant type: single nucleotide variant.
Coding change: c.106G>T on transcript NM_001048174.2 (MANE Select); coding-DNA position 106, G replaced by T.
Protein change: p.Ala36Ser; replaces alanine 36 with serine.
Molecular consequence: missense variant. On other transcripts: 5 prime UTR variant (7), non-coding transcript variant (7).
Genome position (GRCh38, 1-based): chr1:45,334,400, C>A on the plus strand (G>T on the coding strand, the complement: MUTYH is on the minus strand). VCF-style: chr1-45334400-C-A. GRCh37 (hg19) VCF-style: chr1-45800072-C-A.
Other names: c.148G>T, p.Ala50Ser (NM_001293190.2, NM_001407069.1, NM_001407073.1 and 2 more transcripts); c.106G>T, p.Ala36Ser (NM_001293191.2, NM_001293195.2, NM_001407070.1 and 15 more transcripts); c.-107G>T (NM_001293192.2, NM_001293196.2, NM_001407091.1); c.-166G>T (NM_001350650.2); c.-102G>T (NM_001350651.2, NM_001407082.1); c.-51G>T (NM_001407075.1); c.124G>T, p.Ala42Ser (NM_001407087.1); short protein forms A42S, A36S, A50S.
Identifiers: ClinVar variation 4113275 (VCV004113275.1).